The following is an entry in ClinVar:

NM_020822.3(KCNT1):c.1620-17C>T

Gene: KCNT1 (potassium sodium-activated channel subfamily T member 1; plus strand). Cytogenetic location: 9q34.3.
Variant type: single nucleotide variant.
Coding change: c.1620-17C>T on transcript NM_020822.3 (MANE Select); 17 bases into the intron before coding-DNA position 1620, C replaced by T.
Molecular consequence: intron variant.
Genome position (GRCh38, 1-based): chr9:135,770,281, C>T. VCF-style: chr9-135770281-C-T. GRCh37 (hg19) VCF-style: chr9-138662127-C-T.
Other names: c.1485-17C>T (NM_001272003.2).
Identifiers: ClinVar variation 387213 (VCV000387213.11), dbSNP rs376069264, ClinGen allele CA5327002.

ClinVar aggregate classification (germline): Benign/Likely benign. Review status: criteria provided, multiple submitters, no conflicts (2 of 4 stars). 5 submissions from 4 submitters: Benign (1); Likely benign (4). Last evaluated 2026-01-19.

Conditions:
Developmental and epileptic encephalopathy, 14 (DEE14). Also called: Early infantile epileptic encephalopathy 14. Identifiers: Orphanet 293181, MedGen C3554195, MONDO:0013989, OMIM 614959.
Autosomal dominant nocturnal frontal lobe epilepsy 5. Also called: KCNT1-Related Epilepsy; CILIARY DYSKINESIA, PRIMARY, 28, WITHOUT SITUS INVERSUS; CILIARY DYSKINESIA, PRIMARY, 28, WITH SITUS INVERSUS; Epilepsy, nocturnal frontal lobe, 5. Identifiers: Orphanet 98784, MedGen C3554306, MONDO:0014002, OMIM 615005.

Allele frequency attached by ClinVar (database versions not stated): gnomAD exomes 0.00003 and 0.00008; ExAC 0.00008; ESP Exome Variant Server 0.00015; gnomAD 0.00021 and 0.00022; TOPMed 0.00026; 1000 Genomes Project 0.00100; 1000 Genomes Project 30x 0.00125.
gnomAD v4.1: 74 of 1,577,078 alleles (0.0047%); highest among the groups gnomAD compares: African/African-American, 0.09%; no homozygotes.

Submissions (5):

Labcorp Genetics (formerly Invitae), Labcorp
Classification: Benign for Autosomal dominant nocturnal frontal lobe epilepsy 5; Developmental and epileptic encephalopathy, 14. Last evaluated: 2026-01-19. Review status: criteria provided, single submitter. Criteria: Invitae Variant Classification Sherloc (09022015). Collection method: clinical testing. Allele origin: germline.

Blueprint Genetics
Classification: Likely benign. Last evaluated: 2022-10-20. Review status: criteria provided, single submitter. Criteria: ACMG Guidelines, 2015. Collection method: clinical testing. Allele origin: germline.

Genome-Nilou Lab
Classification: Likely benign for Developmental and epileptic encephalopathy, 14. Last evaluated: 2022-03-15. Review status: criteria provided, single submitter. Criteria: ACMG Guidelines, 2015. Collection method: clinical testing. Allele origin: germline. Affected: no.

Genome-Nilou Lab
Classification: Likely benign for Autosomal dominant nocturnal frontal lobe epilepsy 5. Last evaluated: 2022-03-15. Review status: criteria provided, single submitter. Criteria: ACMG Guidelines, 2015. Collection method: clinical testing. Allele origin: germline. Affected: no.

GeneDx
Classification: Likely benign. Last evaluated: 2018-03-16. Review status: criteria provided, single submitter. Criteria: GeneDx Variant Classification (06012015). Collection method: clinical testing. Allele origin: germline. Affected: yes.
Comment: This variant is considered likely benign or benign based on one or more of the following criteria: it is a conservative change, it occurs at a poorly conserved position in the protein, it is predicted to be benign by multiple in silico algorithms, and/or has population frequency not consistent with disease.